The following is an entry in ClinVar:

ClinVar aggregate classification (germline): Uncertain significance (1 of 4 stars; one submission).

Submission:

Labcorp Genetics (formerly Invitae), Labcorp
Classification: Uncertain significance. Last evaluated: 2025-08-11. Review status: criteria provided, single submitter. Criteria: Invitae Variant Classification Sherloc (09022015). Collection method: clinical testing. Allele origin: germline.
Comment: This sequence change replaces glutamine, which is neutral and polar, with arginine, which is basic and polar, at codon 375 of the RAI1 protein (p.Gln375Arg). This variant is not present in population databases (gnomAD no frequency). This variant has not been reported in the literature in individuals affected with RAI1-related conditions. Invitae Evidence Modeling of protein sequence and biophysical properties (such as structural, functional, and spatial information, amino acid conservation, physicochemical variation, residue mobility, and thermodynamic stability) indicates that this missense variant is expected to disrupt RAI1 protein function with a positive predictive value of 80%. In summary, the available evidence is currently insufficient to determine the role of this variant in disease. Therefore, it has been classified as a Variant of Uncertain Significance.

NM_030665.4(RAI1):c.1124A>G (p.Gln375Arg)

Gene: RAI1 (retinoic acid induced 1; plus strand). Cytogenetic location: 17p11.2.
Variant type: single nucleotide variant.
Coding change: c.1124A>G on transcript NM_030665.4 (MANE Select); coding-DNA position 1124, A replaced by G.
Protein change: p.Gln375Arg; replaces glutamine 375 with arginine.
Molecular consequence: missense variant.
Genome position (GRCh38, 1-based): chr17:17,794,072, A>G. VCF-style: chr17-17794072-A-G. GRCh37 (hg19) VCF-style: chr17-17697386-A-G.
Other names: short protein forms Q375R.
Identifiers: ClinVar variation 4746202 (VCV004746202.1).